The following is an entry in ClinVar:

NM_001148.6(ANK2):c.1900C>T (p.His634Tyr)

Gene: ANK2 (ankyrin 2; plus strand). Cytogenetic location: 4q26.
Variant type: single nucleotide variant.
Coding change: c.1900C>T on transcript NM_001148.6 (MANE Select); coding-DNA position 1900, C replaced by T.
Protein change: p.His634Tyr; replaces histidine 634 with tyrosine.
Molecular consequence: missense variant.
Genome position (GRCh38, 1-based): chr4:113,282,693, C>T. VCF-style: chr4-113282693-C-T. GRCh37 (hg19) VCF-style: chr4-114203849-C-T.
Other names: p.H634Y:CAT>TAT; c.1837C>T, p.His613Tyr (NM_001127493.3, NM_001354239.2, NM_001354243.2 and 10 more transcripts); c.1900C>T, p.His634Tyr (NM_001354225.2, NM_001354228.2, NM_001354232.2 and 6 more transcripts); c.1945C>T, p.His649Tyr (NM_001354230.2, NM_001354231.2, NM_001354237.2 and 5 more transcripts); c.1801C>T, p.His601Tyr (NM_001354245.2, NM_001354268.2); c.1813C>T, p.His605Tyr (NM_001354249.2, NM_001354264.2, NM_001354266.2 and 10 more transcripts); c.1738C>T, p.His580Tyr (NM_001354253.2, NM_001354257.2, NM_001354270.2 and 1 more transcripts); c.1714C>T, p.His572Tyr (NM_001354260.2, NM_001354271.2, NM_001386151.1); and 9 more; short protein forms H613Y, H634Y, H568Y, H620Y, H649Y, H601Y, H572Y, H580Y.
Identifiers: ClinVar variation 190550 (VCV000190550.2), dbSNP rs786205723, ClinGen allele CA300810.

ClinVar aggregate classification (germline): Uncertain significance (1 of 4 stars; one submission).

Submission:

GeneDx
Classification: Uncertain significance. Last evaluated: 2013-04-23. Review status: criteria provided, single submitter. Criteria: GeneDx Variant Classification (06012015). Collection method: clinical testing. Allele origin: germline. Affected: yes.
Comment: p.His634Tyr (CAT>TAT): c.1900 C>T in exon 18 of the ANK2 gene (NM_001148.4)The His634Tyr variant in the ANK2 gene has not been reported as a disease-causing mutation or as a benign polymorphism to our knowledge. His634Tyr results in a non-conservative amino acid substitution of a positively-charged Histidine residue with a neutral Tyrosine residue at a position that is conserved across species. In silico analysis predicts His634Tyr is damaging to the protein structure/function. The His634Tyr variant was not observed in approximately 6500 individuals of European and African American ancestry in the NHLBI Exome Sequencing Project, indicating it is not a common benign variant in these populations. However, mutations in nearby residues have not been reported, indicating this region of the protein may tolerate change.With the clinical and molecular information available at this time, we cannot definitively determine if His634Tyr is a disease-causing mutation or a rare benign variant. The variant is found in LQT panel(s).